The following is an entry in ClinVar:

ClinVar aggregate classification (germline): Likely benign. Review status: criteria provided, single submitter (1 of 4 stars). 2 submissions from 2 submitters: Likely benign (1). 1 of the submissions does not count toward it. Last evaluated 2025-01-07.

Conditions:
RAI1-related disorder. Also called: RAI1-related condition.

Allele frequency attached by ClinVar (database versions not stated): gnomAD 0.00001; ExAC 0.00002; ESP Exome Variant Server 0.00008.
gnomAD v4.1: 7 of 1,614,026 alleles (0.00043%); highest among the groups gnomAD compares: East Asian, 0.0022%; no homozygotes.

Submissions (2):

Labcorp Genetics (formerly Invitae), Labcorp
Classification: Likely benign. Last evaluated: 2025-01-07. Review status: criteria provided, single submitter. Criteria: Invitae Variant Classification Sherloc (09022015). Collection method: clinical testing. Allele origin: germline.

PreventionGenetics, part of Exact Sciences
Classification: Likely benign for RAI1-related condition. Last evaluated: 2021-02-03. Review status: no assertion criteria provided. Collection method: clinical testing. Allele origin: germline. Not counted in ClinVar's aggregate classification.
Comment: This variant is classified as likely benign based on ACMG/AMP sequence variant interpretation guidelines (Richards et al. 2015 PMID: 25741868, with internal and published modifications).

NM_030665.4(RAI1):c.2088G>A (p.Thr696=)

Gene: RAI1 (retinoic acid induced 1; plus strand). Cytogenetic location: 17p11.2.
Variant type: single nucleotide variant.
Coding change: c.2088G>A on transcript NM_030665.4 (MANE Select); coding-DNA position 2088, G replaced by A.
Protein change: p.Thr696=; no amino-acid change (threonine 696 retained).
Molecular consequence: synonymous variant.
Genome position (GRCh38, 1-based): chr17:17,795,036, G>A. VCF-style: chr17-17795036-G-A. GRCh37 (hg19) VCF-style: chr17-17698350-G-A.
Identifiers: ClinVar variation 3031332 (VCV003031332.4), dbSNP rs368878818, ClinGen allele CA8418460.